The following is an entry in ClinVar:

ClinVar aggregate classification (germline): Likely benign (1 of 4 stars; one submission).

Submission:

Laboratory for Molecular Medicine, Mass General Brigham Personalized Medicine
Classification: Likely benign. Last evaluated: 2013-10-14. Review status: criteria provided, single submitter. Criteria: LMM Criteria. Collection method: clinical testing. Allele origin: germline. Observed: 1 variant allele.
Comment: Lys576Lys in exon 11 of TTN: This variant is not expected to have clinical signi ficance because it does not alter an amino acid residue and is not located withi n the splice consensus sequence. Lys576Lys in exon 11 of TTN (allele frequency = n/a)

NM_001267550.2(TTN):c.1728A>G (p.Lys576=)

Gene: TTN (titin; minus strand). Cytogenetic location: 2q31.2.
Variant type: single nucleotide variant.
Coding change: c.1728A>G on transcript NM_001267550.2 (MANE Select); coding-DNA position 1728, A replaced by G.
Protein change: p.Lys576=; no amino-acid change (lysine 576 retained).
Molecular consequence: synonymous variant. On other transcripts: intron variant (3).
Genome position (GRCh38, 1-based): chr2:178,790,780, T>C on the plus strand (A>G on the coding strand, the complement: TTN is on the minus strand). VCF-style: chr2-178790780-T-C. GRCh37 (hg19) VCF-style: chr2-179655507-T-C.
Other names: c.1728A>G, p.Lys576= (NM_001256850.1, NM_133379.5, NM_133378.4); c.1663-665A>G (NM_003319.4, NM_133437.4, NM_133432.3).
Identifiers: ClinVar variation 166346 (VCV000166346.5), dbSNP rs727503703, ClinGen allele CA179402.